The following is an entry in ClinVar:

NM_006031.6(PCNT):c.7702G>T (p.Ala2568Ser)

Gene: PCNT (pericentrin; plus strand). Cytogenetic location: 21q22.3.
Variant type: single nucleotide variant.
Coding change: c.7702G>T on transcript NM_006031.6 (MANE Select); coding-DNA position 7702, G replaced by T.
Protein change: p.Ala2568Ser; replaces alanine 2568 with serine.
Molecular consequence: missense variant.
Genome position (GRCh38, 1-based): chr21:46,430,021, G>T. VCF-style: chr21-46430021-G-T. GRCh37 (hg19) VCF-style: chr21-47849935-G-T.
Other names: c.7348G>T, p.Ala2450Ser (NM_001315529.2); short protein forms A2450S, A2568S.
Identifiers: ClinVar variation 2635978 (VCV002635978.2), dbSNP rs1020899381, ClinGen allele CA322014787.

ClinVar aggregate classification (germline): Uncertain significance (1 of 4 stars; one submission).

Conditions:
PCNT-related disorder. Also called: PCNT-related condition.

Allele frequency attached by ClinVar (database versions not stated): gnomAD 0.00002; TOPMed 0.00002.
gnomAD v4.1: 4 of 1,614,034 alleles (0.00025%); highest among the groups gnomAD compares: African/African-American, 0.0053%; no homozygotes.

Submission:

PreventionGenetics, part of Exact Sciences
Classification: Uncertain significance for PCNT-related condition. Last evaluated: 2025-11-06. Review status: criteria provided, single submitter. Criteria: ACMG Guidelines, 2015. Collection method: clinical testing. Allele origin: germline.
Comment: The PCNT c.7702G>T variant is predicted to result in the amino acid substitution p.Ala2568Ser. To our knowledge, this variant has not been reported in the literature. This variant is reported in 0.011% of alleles in individuals of African descent in gnomAD. At this time, the clinical significance of this variant is uncertain due to the absence of conclusive functional and genetic evidence.